The following is an entry in ClinVar:

NM_001122630.2(CDKN1C):c.775C>A (p.Pro259Thr)

Gene: CDKN1C (cyclin dependent kinase inhibitor 1C; minus strand). Cytogenetic location: 11p15.4.
Variant type: single nucleotide variant.
Coding change: c.775C>A on transcript NM_001122630.2 (MANE Select); coding-DNA position 775, C replaced by A.
Protein change: p.Pro259Thr; replaces proline 259 with threonine.
Molecular consequence: missense variant. On other transcripts: intron variant (1).
Genome position (GRCh38, 1-based): chr11:2,884,682, G>T on the plus strand (C>A on the coding strand, the complement: CDKN1C is on the minus strand). VCF-style: chr11-2884682-G-T. GRCh37 (hg19) VCF-style: chr11-2905912-G-T.
Other names: c.808C>A, p.Pro270Thr (LRG_533t1, NM_000076.2, NM_001362474.2); c.775C>A, p.Pro259Thr (NM_001122631.2); c.255+520C>A (NM_001362475.2); short protein forms P270T, P259T.
Identifiers: ClinVar variation 454033 (VCV000454033.9), dbSNP rs1416211722, ClinGen allele CA379145538.

ClinVar aggregate classification (germline): Uncertain significance. Review status: criteria provided, multiple submitters, no conflicts (2 of 4 stars). 2 submissions from 2 submitters: Uncertain significance (2). Last evaluated 2023-10-23.

Conditions:
Beckwith-Wiedemann syndrome (BWS). Also called: EMG SYNDROME; Exomphalos macroglossia gigantism syndrome. Identifiers: Orphanet 116, MedGen C0004903, MONDO:0007534, OMIM 130650.
IMAGe syndrome. Also called: Intrauterine growth retardation, metaphyseal dysplasia, adrenal hypoplasia congenita, and genital anomalies; Intrauterine Growth Restriction, Metaphyseal Dysplasia, Adrenal Hypoplasia Congenita, and Genital Anomalies. Identifiers: Orphanet 85173, MedGen C1846009, MONDO:0013873, OMIM 614732.

Submissions (2):

Labcorp Genetics (formerly Invitae), Labcorp
Classification: Uncertain significance for Beckwith-Wiedemann syndrome. Last evaluated: 2023-10-23. Review status: criteria provided, single submitter. Criteria: Invitae Variant Classification Sherloc (09022015). Collection method: clinical testing. Allele origin: germline.
Comment: This sequence change replaces proline, which is neutral and non-polar, with threonine, which is neutral and polar, at codon 270 of the CDKN1C protein (p.Pro270Thr). This variant is not present in population databases (gnomAD no frequency). This variant has not been reported in the literature in individuals affected with CDKN1C-related conditions. ClinVar contains an entry for this variant (Variation ID: 454033). Advanced modeling of protein sequence and biophysical properties (such as structural, functional, and spatial information, amino acid conservation, physicochemical variation, residue mobility, and thermodynamic stability) performed at Invitae indicates that this missense variant is not expected to disrupt CDKN1C protein function. In summary, the available evidence is currently insufficient to determine the role of this variant in disease. Therefore, it has been classified as a Variant of Uncertain Significance.

Fulgent Genetics
Classification: Uncertain significance for Beckwith-Wiedemann syndrome; IMAGe syndrome. Last evaluated: 2021-10-28. Review status: criteria provided, single submitter. Criteria: ACMG Guidelines, 2015. Collection method: clinical testing. Allele origin: unknown.